The following is an entry in ClinVar:

ClinVar aggregate classification (somatic clinical impact): Tier I - Strong (1 of 4 stars; one submission).

Conditions:
Medulloblastoma SHH activated. Identifiers: MedGen C4330671, MONDO:0850197.

Submission:

Institute for Genomic Medicine (IGM) Clinical Laboratory, Nationwide Children's Hospital
Classification: Tier I - Strong for Medulloblastoma SHH activated. Assertion type: diagnostic. Clinical significance: supports diagnosis. Last evaluated: 2023-02-24. Review status: criteria provided, single submitter. Criteria: AMP/ASCO/CAP Guidelines, 2017. Collection method: clinical testing. Allele origin: somatic. Affected: yes.
Comment: Variant has Tier I (strong) clinical significance as a diagnostic inclusion criterion in medulloblastoma SHH activated, based on the following evidence: 1) Appears in one or more well-established professional guidelines (e.g., World Health Organization [WHO]; National Comprehensive Cancer Network [NCCN]) as providing diagnostic, prognostic, or therapeutic information. 2) Diagnostic for a specific tumor type/classification based on well-powered studies with expert-level consensus (Evidence Level B).

NM_004380.3(CREBBP):c.6323_6335del (p.Tyr2108fs)

Gene: CREBBP (CREB binding lysine acetyltransferase; minus strand). Cytogenetic location: 16p13.3.
Variant type: Deletion.
Coding change: c.6323_6335del on transcript NM_004380.3 (MANE Select); coding-DNA positions 6323 to 6335, 13 bases deleted (ACGTGGCCAATCA).
Protein change: p.Tyr2108fs; shifts the reading frame from tyrosine 2108.
Molecular consequence: frameshift variant.
Genome position (GRCh38, 1-based): chr16:3,728,712-3,728,724, TGATTGGCCACGT deleted on the plus strand (ACGTGGCCAATCA on the coding strand, the reverse complement: CREBBP is on the minus strand). VCF-style (leftmost placement, unchanged base first): chr16-3728711-CTGATTGGCCACGT-C. GRCh37 (hg19) VCF-style: chr16-3778712-CTGATTGGCCACGT-C.
Other names: c.6209_6221del, p.Tyr2070fs (NM_001079846.1); short protein forms Y2070fs, Y2108fs.
Identifiers: ClinVar variation 4530110 (VCV004530110.1).